The following is an entry in ClinVar:

NC_000003.12:g.169765029A>G

Genes: TERC (telomerase RNA component; minus strand), LOC110806306 (telomerase RNA component (TERC) promoter; plus strand). Cytogenetic location: 3q26.2.
Variant type: single nucleotide variant.
Genome position: GRCh38 VCF-style: chr3-169765029-A-G. GRCh37 (hg19) VCF-style: chr3-169482817-A-G.
Identifiers: ClinVar variation 1913090 (VCV001913090.5), dbSNP rs1028938506, ClinGen allele CA87624557.

ClinVar aggregate classification (germline): Uncertain significance (1 of 4 stars; one submission).

Conditions:
Dyskeratosis congenita, autosomal dominant 1 (DKCA1). Also called: Dyskeratosis congenita Scoggins type. Identifiers: Orphanet 1775, MedGen C4551974, MONDO:0007485, OMIM 127550. Inheritance: Variable.

Allele frequency attached by ClinVar (database versions not stated): gnomAD exomes below 0.00001; gnomAD 0.00001.
gnomAD v4.1: 3 of 765,026 alleles (0.00039%); highest among the groups gnomAD compares: East Asian, 0.0024%; no homozygotes.

Submission:

Labcorp Genetics (formerly Invitae), Labcorp
Classification: Uncertain significance for Dyskeratosis congenita, autosomal dominant 1. Last evaluated: 2025-05-24. Review status: criteria provided, single submitter. Criteria: Invitae Variant Classification Sherloc (09022015). Collection method: clinical testing. Allele origin: germline.
Comment: This variant occurs in the TERC gene, which encodes an RNA molecule that does not result in a protein product. This variant is not present in population databases (gnomAD no frequency). This variant has not been reported in the literature in individuals affected with TERC-related conditions. ClinVar contains an entry for this variant (Variation ID: 1913090). Experimental studies and prediction algorithms are not available or were not evaluated, and the functional significance of this variant is currently unknown. This variant is located at the 5’ end of the TERC RNA component (PMID: 15082312, 21844345). The functional significance of this region is not well understood. In summary, the available evidence is currently insufficient to determine the role of this variant in disease. Therefore, it has been classified as a Variant of Uncertain Significance.

Literature cited by the submitters: PubMed 15082312; PubMed 21844345.